The following is an entry in ClinVar:

NM_001102416.3(KNG1):c.1742T>C (p.Ile581Thr)

Gene: KNG1 (kininogen 1; plus strand). Cytogenetic location: 3q27.3.
Variant type: single nucleotide variant.
Coding change: c.1742T>C on transcript NM_001102416.3 (MANE Select); coding-DNA position 1742, T replaced by C.
Protein change: p.Ile581Thr; replaces isoleucine 581 with threonine.
Molecular consequence: missense variant. On other transcripts: intron variant (2).
Genome position (GRCh38, 1-based): chr3:186,742,138, T>C. VCF-style: chr3-186742138-T-C. GRCh37 (hg19) VCF-style: chr3-186459927-T-C.
Other names: p.Ile581Thr; c.1203+539T>C (NM_000893.4); c.1095+539T>C (NM_001166451.2); short protein forms I581T.
Identifiers: ClinVar variation 4684757 (VCV004684757.1).

ClinVar aggregate classification (germline): Benign (1 of 4 stars; one submission).

gnomAD v4.1: 665,613 of 1,613,454 alleles (41%); highest among the groups gnomAD compares: African/African-American, 52%; 138,838 homozygotes.

Submission:

Mayo Clinic Laboratories, Mayo Clinic
Classification: Benign. Last evaluated: 2025-10-08. Review status: criteria provided, single submitter. Criteria: ACMG Guidelines, 2015. Collection method: clinical testing. Allele origin: germline. Observed: 242 variant alleles.
Comment: BA1, BP4_moderate